The following is an entry in ClinVar:

ClinVar aggregate classification (germline): Benign (1 of 4 stars; one submission).

Allele frequency attached by ClinVar (database versions not stated): gnomAD 0.66216; 1000 Genomes Project 0.73542; gnomAD exomes 0.73738.
gnomAD v4.1: 416,540 of 575,770 alleles (72%); highest among the groups gnomAD compares: East Asian, 88%; 155,991 homozygotes.

Submission:

Unidad de Genómica Garrahan, Hospital de Pediatría Garrahan
Classification: Benign. Last evaluated: 2023-11-12. Review status: criteria provided, single submitter. Criteria: ACMG Guidelines, 2015. Collection method: clinical testing. Allele origin: germline. Affected: no. Observed: 70 variant alleles.
Comment: This variant is classified as Benign based on local population frequency. This variant was detected in 73% of patients studied by a panel of primary immunodeficiencies. Number of patients: 70. Only high quality variants are reported.

NM_001243133.2(NLRP3):c.2322-147G>C

Gene: NLRP3 (NLR family pyrin domain containing 3; plus strand). Cytogenetic location: 1q44.
Variant type: single nucleotide variant.
Coding change: c.2322-147G>C on transcript NM_001243133.2 (MANE Select); 147 bases into the intron before coding-DNA position 2322, G replaced by C.
Molecular consequence: intron variant.
Genome position (GRCh38, 1-based): chr1:247,433,956, G>C. VCF-style: chr1-247433956-G-C. GRCh37 (hg19) VCF-style: chr1-247597258-G-C.
Other names: c.2328-147G>C (NM_004895.5); c.2322-147G>C (NM_001127461.3, NM_001079821.3); c.2151-147G>C (NM_001127462.3, NM_183395.3).
Identifiers: ClinVar variation 2628124 (VCV002628124.2), dbSNP rs10802498, ClinGen allele CA10863640.